The following is an entry in ClinVar:

NM_018230.3(NUP133):c.1975C>T (p.Arg659Trp)

Gene: NUP133 (nucleoporin 133; minus strand). Cytogenetic location: 1q42.13.
Variant type: single nucleotide variant.
Coding change: c.1975C>T on transcript NM_018230.3 (MANE Select); coding-DNA position 1975, C replaced by T.
Protein change: p.Arg659Trp; replaces arginine 659 with tryptophan.
Molecular consequence: missense variant.
Genome position (GRCh38, 1-based): chr1:229,470,681, G>A on the plus strand (C>T on the coding strand, the complement: NUP133 is on the minus strand). VCF-style: chr1-229470681-G-A. GRCh37 (hg19) VCF-style: chr1-229606428-G-A.
Other names: short protein forms R659W.
Identifiers: ClinVar variation 2384376 (VCV002384376.5), dbSNP rs201748818, ClinGen allele CA1443402.
Genomic context (GRCh38, chr1:229,470,681, plus strand): 5'-TTTCATACTCCCTCTTGTTCAAAGCAATCAATATGGCTGTGTTGACAAGGTCAGAAAGCC[G>A]GGAGTGGTGGTTCTTGAGAACAATGGCGGCTGACAGCTTTTCGGCATGCTCACAGAGCAA-3'
Protein context (NP_060700.2, residues 649-669): AAIVLKNHHS[Arg659Trp]LSDLVNTAIL

ClinVar aggregate classification (germline): Uncertain significance. Review status: criteria provided, multiple submitters, no conflicts (2 of 4 stars). 2 submissions from 2 submitters: Uncertain significance (2). Last evaluated 2023-07-18.

Allele frequency attached by ClinVar (database versions not stated): ExAC 0.00003; gnomAD exomes 0.00003; gnomAD 0.00005; TOPMed 0.00005.
gnomAD v4.1: 57 of 1,614,010 alleles (0.0035%); highest among the groups gnomAD compares: African/African-American, 0.011%; no homozygotes.

Submissions (2):

Labcorp Genetics (formerly Invitae), Labcorp
Classification: Uncertain significance. Last evaluated: 2023-07-18. Review status: criteria provided, single submitter. Criteria: Invitae Variant Classification Sherloc (09022015). Collection method: clinical testing. Allele origin: germline.
Comment: In summary, the available evidence is currently insufficient to determine the role of this variant in disease. Therefore, it has been classified as a Variant of Uncertain Significance. An algorithm developed to predict the effect of missense changes on protein structure and function (PolyPhen-2) suggests that this variant is likely to be disruptive. This sequence change replaces arginine, which is basic and polar, with tryptophan, which is neutral and slightly polar, at codon 659 of the NUP133 protein (p.Arg659Trp). This variant is present in population databases (rs201748818, gnomAD 0.02%). This variant has not been reported in the literature in individuals affected with NUP133-related conditions. ClinVar contains an entry for this variant (Variation ID: 2384376).

Ambry Genetics
Classification: Uncertain significance. Last evaluated: 2021-09-01. Review status: criteria provided, single submitter. Criteria: Ambry Variant Classification Scheme 2023. Collection method: clinical testing. Allele origin: germline.